The following is an entry in ClinVar:

ClinVar aggregate classification (germline): Pathogenic (1 of 4 stars; one submission).

Conditions:
Episodic ataxia type 2 (EA2). Also called: ACETAZOLAMIDE-RESPONSIVE HEREDITARY PAROXYSMAL CEREBELLAR ATAXIA; ATAXIA, EPISODIC, WITH NYSTAGMUS; ATAXIA, FAMILIAL PAROXYSMAL; CEREBELLAR ATAXIA, PAROXYSMAL, ACETAZOLAMIDE-RESPONSIVE; CEREBELLOPATHY, HEREDITARY PAROXYSMAL; EPISODIC ATAXIA, NYSTAGMUS-ASSOCIATED. Identifiers: Orphanet 97, MedGen C1720416, MONDO:0007163, OMIM 108500.
Developmental and epileptic encephalopathy, 42 (DEE42A). Also called: Epileptic encephalopathy, early infantile, 42; DEVELOPMENTAL AND EPILEPTIC ENCEPHALOPATHY 42A; EPILEPTIC ENCEPHALOPATHY, EARLY INFANTILE, 42A. Identifiers: MedGen C4310716, MONDO:0014917, OMIM 617106.

Submission:

Labcorp Genetics (formerly Invitae), Labcorp
Classification: Pathogenic for Developmental and epileptic encephalopathy, 42; Episodic ataxia type 2. Last evaluated: 2025-12-16. Review status: criteria provided, single submitter. Criteria: Invitae Variant Classification Sherloc (09022015). Collection method: clinical testing. Allele origin: germline.
Comment: This sequence change creates a premature translational stop signal (p.Asp1368Valfs*3) in the CACNA1A gene. It is expected to result in an absent or disrupted protein product. Loss-of-function variants in CACNA1A are known to be pathogenic (PMID: 10371528, 19486177, 25735478, 27250579). This variant is not present in population databases (gnomAD no frequency). This variant has not been reported in the literature in individuals affected with CACNA1A-related conditions. For these reasons, this variant has been classified as Pathogenic.

Literature cited by the submitters: PubMed 10371528; PubMed 19486177; PubMed 25735478; PubMed 27250579.

NM_001127222.2(CACNA1A):c.4100_4103del (p.Asp1367fs)

Genes: CACNA1A (calcium voltage-gated channel subunit alpha1 A; minus strand), LOC126862864 (MED14-independent group 3 enhancer GRCh37_chr19:13371552-13372751; plus strand). Cytogenetic location: 19p13.13.
Variant type: Deletion.
Coding change: c.4100_4103del on transcript NM_001127222.2 (MANE Select); coding-DNA positions 4100 to 4103, 4 bases deleted (ACTG; older notation c.4100_4103delACTG).
Protein change: p.Asp1367fs; shifts the reading frame from aspartic acid 1367.
Molecular consequence: frameshift variant.
Genome position (GRCh38, 1-based): chr19:13,261,597-13,261,600, CAGT deleted on the plus strand (ACTG on the coding strand, the reverse complement: CACNA1A is on the minus strand); deleting any 4 consecutive bases within chr19:13,261,597-13,261,602 gives the same sequence; the c. name uses the placement nearest the transcript's 3' end. VCF-style (leftmost placement, unchanged base first): chr19-13261596-ACAGT-A. GRCh37 (hg19) VCF-style: chr19-13372410-ACAGT-A.
Other names: c.4112_4115del, p.Asp1371fs (NM_000068.4, NM_023035.3); c.4103_4106del, p.Asp1368fs (NM_001127221.2, NM_001174080.2); short protein forms D1367fs, D1371fs, D1368fs.
Identifiers: ClinVar variation 4787044 (VCV004787044.1).
Genomic context (GRCh38, chr19:13,261,596, plus strand): 5'-GAACATGAATAGCATGTAGACGATGAGGATGTTGAAGACGTTTTTAAGTGAGTTCACCAC[ACAGT>A]CAAACACAGCCTGTGGGGTGGAGTTGACAGAGAGCATGAGGGGCTGGGGACCTGCCCAAC-3'